The following is an entry in ClinVar:

ClinVar aggregate classification (germline): Benign/Likely benign. Review status: criteria provided, multiple submitters, no conflicts (2 of 4 stars). 9 submissions from 9 submitters: Benign (2); Likely benign (5). 2 of the submissions do not count toward it. Last evaluated 2026-02-04.

Conditions:
Sphingomyelin/cholesterol lipidosis. Also called: Niemann-Pick disease. Identifiers: MedGen C0028064, MONDO:0001982.
Niemann-Pick disease, type B. Also called: Chronic Visceral ASMD (Niemann-Pick Disease Type B; NPD-B). Identifiers: Orphanet 77293, MedGen C0268243, MONDO:0011871, OMIM 607616. Disease mechanism: loss of function.
Niemann-Pick disease, type A. Also called: SPHINGOMYELIN LIPIDOSIS; SPHINGOMYELINASE DEFICIENCY; Infantile Neurovisceral ASMD (Niemann-Pick Disease Type A; NPD-A). Identifiers: Orphanet 77292, MedGen C0268242, MONDO:0009756, OMIM 257200. Disease mechanism: loss of function.

Allele frequency attached by ClinVar (database versions not stated): gnomAD exomes 0.00033 and 0.00101; ExAC 0.00127; 1000 Genomes Project 0.00319; 1000 Genomes Project 30x 0.00328; gnomAD 0.00352 and 0.00374; ESP Exome Variant Server 0.00377; TOPMed 0.00413.

Submissions (9):

Labcorp Genetics (formerly Invitae), Labcorp
Classification: Benign for Niemann-Pick disease, type B; Niemann-Pick disease, type A. Last evaluated: 2026-02-04. Review status: criteria provided, single submitter. Criteria: Invitae Variant Classification Sherloc (09022015). Collection method: clinical testing. Allele origin: germline.

CeGaT Center for Human Genetics Tuebingen
Classification: Likely benign. Last evaluated: 2025-11-01. Review status: criteria provided, single submitter. Criteria: CeGaT Center For Human Genetics Tuebingen Variant Classification Criteria Version 2. Collection method: clinical testing. Allele origin: germline. Affected: yes. Observed: 2 variant alleles.
Comment: SMPD1: BP4, BS1

Blueprint Genetics
Classification: Likely benign. Last evaluated: 2024-11-12. Review status: criteria provided, single submitter. Criteria: ACMG Guidelines, 2015. Collection method: clinical testing. Allele origin: germline.

Broad Center for Mendelian Genomics, Broad Institute of MIT and Harvard
Classification: Likely benign for Sphingomyelin/cholesterol lipidosis. Last evaluated: 2020-01-22. Review status: criteria provided, single submitter. Criteria: ACMG Guidelines, 2015. Collection method: curation. Allele origin: germline. Inheritance: Autosomal recessive inheritance.
Comment: The p.Val301Ile variant in SMPD1 (also known as p.Val299Ile due to a difference in cDNA numbering) has not been previously reported in individuals with Niemann-Pick disease, but has been identified in 1.166% (291/24858) of African chromosomes, including 1 homozygote, 0.116% (41/35436) of Latino chromosomes, and 0.0196% (6/30616) of South Asian chromosomes by the Genome Aggregation Database (gnomAD; dbSNP rs2723669. This variant has also been reported in ClinVar (VariationID: 305201) as a VUS by Illumina Clinical Services Laboratory, as likely benign by Mayo Clinic Genetic Testing Laboratories, and as Benign by EGL Genetic Diagnostics. Computational prediction tools, including splice predictors, and conservation analyses suggest that this variant may not impact the protein, though this information is not predictive enough to rule out pathogenicity. In summary, although additional studies are required to fully establish its clinical significance, this variant is likely benign. ACMG/AMP Criteria applied: BS1, BP4 (Richards 2015).

Illumina Laboratory Services, Illumina
Classification: Likely benign for Niemann-Pick disease, type A. Last evaluated: 2018-01-13. Review status: criteria provided, single submitter. Criteria: ICSL Variant Classification Criteria 13 December 2019. Collection method: clinical testing. Allele origin: germline.
Comment: This variant was observed in the ICSL laboratory as part of a predisposition screen in an ostensibly healthy population. It had not been previously curated by ICSL or reported in the Human Gene Mutation Database (HGMD: prior to June 1st, 2018), and was therefore a candidate for classification through an automated scoring system. Utilizing variant allele frequency, disease prevalence and penetrance estimates, and inheritance mode, an automated score was calculated to assess if this variant is too frequent to cause the disease. Based on the score and internal cut-off values, a variant classified as likely benign is not then subjected to further curation. The score for this variant resulted in a classification of likely benign for this disease.

Eurofins Ntd Llc (ga)
Classification: Benign. Last evaluated: 2016-12-16. Review status: criteria provided, single submitter. Criteria: EGL Classification Definitions 2015. Collection method: clinical testing. Allele origin: germline. Observed: 1 variant allele, 1 heterozygote.

Breakthrough Genomics
Classification: Likely benign. Review status: criteria provided, single submitter. Criteria: ACMG Guidelines, 2015. Collection method: not provided. Allele origin: germline. Inheritance: Autosomal recessive inheritance. Affected: yes.

Mayo Clinic Laboratories, Mayo Clinic
Classification: Likely benign. Last evaluated: 2018-02-08. Review status: no assertion criteria provided. Collection method: clinical testing. Allele origin: unknown. Not counted in ClinVar's aggregate classification.

Natera, Inc.
Classification: Likely benign for Niemann-Pick Disease, Types A/B. Last evaluated: 2017-05-05. Review status: no assertion criteria provided. Collection method: clinical testing. Allele origin: germline. Not counted in ClinVar's aggregate classification.

NM_000543.5(SMPD1):c.901G>A (p.Val301Ile)

Gene: SMPD1 (sphingomyelin phosphodiesterase 1; plus strand). Cytogenetic location: 11p15.4.
Variant type: single nucleotide variant.
Coding change: c.901G>A on transcript NM_000543.5 (MANE Select); coding-DNA position 901, G replaced by A.
Protein change: p.Val301Ile; replaces valine 301 with isoleucine.
Molecular consequence: missense variant. On other transcripts: 5 prime UTR variant (1), non-coding transcript variant (1).
Genome position (GRCh38, 1-based): chr11:6,391,966, G>A. VCF-style: chr11-6391966-G-A. GRCh37 (hg19) VCF-style: chr11-6413196-G-A.
Other names: c.898G>A, p.Val300Ile (NM_001007593.3); c.901G>A, p.Val301Ile (NM_001318087.2, NM_001365135.2); c.-61G>A (NM_001318088.2); short protein forms V301I, V300I.
Identifiers: ClinVar variation 305201 (VCV000305201.35), dbSNP rs2723669, ClinGen allele CA5852706.